The following is an entry in ClinVar:

ClinVar aggregate classification (germline): Uncertain significance (1 of 4 stars; one submission).

Submission:

GeneDx
Classification: Uncertain significance. Last evaluated: 2023-01-13. Review status: criteria provided, single submitter. Criteria: GeneDx Variant Classification Process June 2021. Collection method: clinical testing. Allele origin: germline. Affected: yes.
Comment: Not observed at significant frequency in large population cohorts (gnomAD); In silico analysis supports that this missense variant has a deleterious effect on protein structure/function; Has not been previously published as pathogenic or benign to our knowledge

NM_001271.4(CHD2):c.808A>G (p.Arg270Gly)

Gene: CHD2 (chromodomain helicase DNA binding protein 2; plus strand). Cytogenetic location: 15q26.1.
Variant type: single nucleotide variant.
Coding change: c.808A>G on transcript NM_001271.4 (MANE Select); coding-DNA position 808, A replaced by G.
Protein change: p.Arg270Gly; replaces arginine 270 with glycine.
Molecular consequence: missense variant.
Genome position (GRCh38, 1-based): chr15:92,941,937, A>G. VCF-style: chr15-92941937-A-G. GRCh37 (hg19) VCF-style: chr15-93485167-A-G.
Other names: c.808A>G, p.Arg270Gly (NM_001042572.3); short protein forms R270G.
Identifiers: ClinVar variation 2572699 (VCV002572699.1), dbSNP rs2505443569, ClinGen allele CA393901030.
Genomic context (GRCh38, chr15:92,941,937, plus strand): 5'-GGAGAAGGAGTTGATGAACAGCAAGATAATAGTGAAACTATTGAAAAGGTCTTAGATTCA[A>G]GACTGGGAAAGAAAGGAGGTATGTGTATTTGGGGAGCAAATTACATTTTATGTATGCTTA-3'
Protein context (NP_001262.3, residues 260-280): SETIEKVLDS[Arg270Gly]LGKKGATGAS